The following is an entry in ClinVar:

ClinVar aggregate classification (germline): Uncertain significance (1 of 4 stars; one submission).

Conditions:
Osteogenesis imperfecta type 8 (OI8). Identifiers: MedGen C1970458, MONDO:0012581, OMIM 610915.

gnomAD v4.1: 1 of 1,614,248 alleles (0.000062%); highest among the groups gnomAD compares: Non-Finnish European, 0.000085%; no homozygotes.

Submission:

Labcorp Genetics (formerly Invitae), Labcorp
Classification: Uncertain significance for Osteogenesis imperfecta type 8. Last evaluated: 2022-01-16. Review status: criteria provided, single submitter. Criteria: Invitae Variant Classification Sherloc (09022015). Collection method: clinical testing. Allele origin: germline.
Comment: In summary, the available evidence is currently insufficient to determine the role of this variant in disease. Therefore, it has been classified as a Variant of Uncertain Significance. Algorithms developed to predict the effect of missense changes on protein structure and function are either unavailable or do not agree on the potential impact of this missense change (SIFT: "Deleterious"; PolyPhen-2: "Benign"; Align-GVGD: "Class C0"). This variant has not been reported in the literature in individuals affected with P3H1-related conditions. This variant is not present in population databases (gnomAD no frequency). This sequence change replaces isoleucine, which is neutral and non-polar, with phenylalanine, which is neutral and non-polar, at codon 356 of the P3H1 protein (p.Ile356Phe).

NM_022356.4(P3H1):c.1066A>T (p.Ile356Phe)

Gene: P3H1 (prolyl 3-hydroxylase 1; minus strand). Cytogenetic location: 1p34.2.
Variant type: single nucleotide variant.
Coding change: c.1066A>T on transcript NM_022356.4 (MANE Select); coding-DNA position 1066, A replaced by T.
Protein change: p.Ile356Phe; replaces isoleucine 356 with phenylalanine.
Molecular consequence: missense variant.
Genome position (GRCh38, 1-based): chr1:42,757,797, T>A on the plus strand (A>T on the coding strand, the complement: P3H1 is on the minus strand). VCF-style: chr1-42757797-T-A. GRCh37 (hg19) VCF-style: chr1-43223468-T-A.
Other names: c.1066A>T, p.Ile356Phe (NM_001146289.2, NM_001243246.2); short protein forms I356F.
Identifiers: ClinVar variation 2086504 (VCV002086504.2), dbSNP rs2524465058, ClinGen allele CA339958762.